The following is an entry in ClinVar:

ClinVar aggregate classification (germline): Uncertain significance (1 of 4 stars; one submission).

Allele frequency attached by ClinVar (database versions not stated): gnomAD 0.00001; gnomAD exomes 0.00001; TOPMed 0.00001; ExAC 0.00004.
gnomAD v4.1: 25 of 1,613,276 alleles (0.0015%); highest among the groups gnomAD compares: South Asian, 0.011%; no homozygotes.

Submission:

Labcorp Genetics (formerly Invitae), Labcorp
Classification: Uncertain significance. Last evaluated: 2023-11-19. Review status: criteria provided, single submitter. Criteria: Invitae Variant Classification Sherloc (09022015). Collection method: clinical testing. Allele origin: germline.
Comment: This sequence change replaces alanine, which is neutral and non-polar, with valine, which is neutral and non-polar, at codon 304 of the KIAA0753 protein (p.Ala304Val). This variant is present in population databases (rs746157275, gnomAD 0.01%). This variant has not been reported in the literature in individuals affected with KIAA0753-related conditions. An algorithm developed to predict the effect of missense changes on protein structure and function (PolyPhen-2) suggests that this variant¬†is likely to be tolerated. In summary, the available evidence is currently insufficient to determine the role of this variant in disease. Therefore, it has been classified as a Variant of Uncertain Significance.

NM_014804.3(KIAA0753):c.911C>T (p.Ala304Val)

Gene: KIAA0753 (KIAA0753; minus strand). Cytogenetic location: 17p13.1.
Variant type: single nucleotide variant.
Coding change: c.911C>T on transcript NM_014804.3 (MANE Select); coding-DNA position 911, C replaced by T.
Protein change: p.Ala304Val; replaces alanine 304 with valine.
Molecular consequence: missense variant. On other transcripts: non-coding transcript variant (3).
Genome position (GRCh38, 1-based): chr17:6,623,075, G>A on the plus strand (C>T on the coding strand, the complement: KIAA0753 is on the minus strand). VCF-style: chr17-6623075-G-A. GRCh37 (hg19) VCF-style: chr17-6526395-G-A.
Other names: c.14C>T, p.Ala5Val (NM_001351225.2); short protein forms A5V, A304V.
Identifiers: ClinVar variation 2960945 (VCV002960945.1), dbSNP rs746157275, ClinGen allele CA8330655.